The following is an entry in ClinVar:

ClinVar aggregate classification (germline): Uncertain significance. Review status: criteria provided, single submitter (1 of 4 stars). 3 submissions from 3 submitters: Uncertain significance (1). 2 of the submissions do not count toward it. Last evaluated 2023-06-01.

Conditions:
Caudal regression sequence. Also called: Caudal dysgenesis syndrome; Caudal regression syndrome; Caudal dysplasia. Identifiers: Orphanet 3027, MedGen C0300948, MONDO:0017607.

Allele frequency attached by ClinVar (database versions not stated): ExAC 0.00004; gnomAD exomes 0.00004 and 0.00005; gnomAD 0.00006; TOPMed 0.00009.
gnomAD v4.1: 70 of 1,613,950 alleles (0.0043%); highest among the groups gnomAD compares: Non-Finnish European, 0.0053%; no homozygotes.

Submissions (3):

GeneDx
Classification: Uncertain significance. Last evaluated: 2023-06-01. Review status: criteria provided, single submitter. Criteria: GeneDx Variant Classification Process June 2021. Collection method: clinical testing. Allele origin: germline. Affected: yes.
Comment: Published functional studies of V239I indicate that it inhibits the interaction of VANGL1 with Dvl proteins, potentially inhibiting molecular signaling during gastrulation and neural-tube closure (Kibar et al., 2007; Renolds et al., 2010); Identified in an individual with caudal regression with lipomyeloschisis, anorectal malformation, hydromyelia, and a tethered spinal cord. In silico analysis supports that this missense variant does not alter protein structure/function; This variant is associated with the following publications: (PMID: 25208524, 17409324, 31589614, 20043994)

OMIM
Classification: Pathogenic for CAUDAL REGRESSION SYNDROME. Last evaluated: 2007-04-05. Review status: no assertion criteria provided. Collection method: literature only. Allele origin: unknown. Not counted in ClinVar's aggregate classification.

Department of Pathology and Laboratory Medicine, Sinai Health System
Classification: Uncertain significance. Review status: no assertion criteria provided. Collection method: clinical testing. Allele origin: unknown. Affected: yes. Study: The Canadian Open Genetics Repository (COGR). Not counted in ClinVar's aggregate classification.
Comment: The VANGL1 p.V239I variant was identified in 1 of 288 proband chromosomes (frequency: 0.0034) from individuals or families with caudal regression and was not identified in 212 control chromosomes from healthy individuals (Kibar_2007_PMID:17409324). The variant was identified in dbSNP (ID: rs121918218) and ClinVar (classified as likely pathogenic in 2016 by GeneDx). The variant was not identified in Cosmic or LOVD 3.0. The variant was identified in control databases in 17 of 282170 chromosomes (0 homozygous) at a frequency of 0.00006025 (Genome Aggregation Database March 6, 2019, v2.1.1). The variant was observed in the following populations: European (non-Finnish) in 15 of 128536 chromosomes (freq: 0.000117), East Asian in 1 of 19952 chromosomes (freq: 0.00005) and African in 1 of 24968 chromosomes (freq: 0.00004), but was not observed in the Latino, Ashkenazi Jewish, European (Finnish), Other or South Asian populations. However, the variant was also found in their unaffected mother, suggesting incomplete penetrance or variable expressivity (Kibar_2007_PMID:17409324). The variant occurs outside of the splicing consensus sequence and in silico or computational prediction software programs (SpliceSiteFinder, MaxEntScan, NNSPLICE, GeneSplicer) do not predict a difference in splicing. The p.Val239 residue is conserved in mammals and computational analyses (PolyPhen-2, SIFT, AlignGVGD, BLOSUM, MutationTaster) provide inconsistent predictions regarding the impact to the protein; this information is not very predictive of pathogenicity. However, in a protein-protein interaction assay the p.V239I variant was found to have a deleterious affect on the protein, abolishing interaction of the VANGL1 protein with its binding partners (Kibar_2007_PMID:17409324). In a zebrafish model, knockdown/rescue experiments and overexpression assays suggested that the p.V239I variant results in a loss of function allele that affects protein function during embryonic development (Reynolds_2010_PMID: 20043994). In summary, based on the above information the clinical significance of this variant cannot be determined with certainty at this time. This variant is classified as a variant of uncertain significance.

Literature cited by the submitters: PubMed 17409324 (cited by OMIM).

NM_138959.3(VANGL1):c.715G>A (p.Val239Ile)

Gene: VANGL1 (VANGL planar cell polarity protein 1; plus strand). Cytogenetic location: 1p13.1.
Variant type: single nucleotide variant.
Coding change: c.715G>A on transcript NM_138959.3 (MANE Select); coding-DNA position 715, G replaced by A.
Protein change: p.Val239Ile; replaces valine 239 with isoleucine.
Molecular consequence: missense variant.
Genome position (GRCh38, 1-based): chr1:115,664,171, G>A. VCF-style: chr1-115664171-G-A. GRCh37 (hg19) VCF-style: chr1-116206792-G-A.
Other names: c.709G>A, p.Val237Ile (NM_001172411.2); c.715G>A, p.Val239Ile (NM_001172412.2); short protein forms V239I, V237I.
Identifiers: ClinVar variation 1346 (VCV000001346.4), dbSNP rs121918218, ClinGen allele CA114939.